The following is an entry in ClinVar:

ClinVar aggregate classification (germline): Uncertain significance (1 of 4 stars; one submission).

gnomAD v4.1: 1 of 1,556,204 alleles (0.000064%); highest among the groups gnomAD compares: Non-Finnish European, 0.000088%; no homozygotes.

Submission:

Labcorp Genetics (formerly Invitae), Labcorp
Classification: Uncertain significance. Last evaluated: 2025-01-06. Review status: criteria provided, single submitter. Criteria: Invitae Variant Classification Sherloc (09022015). Collection method: clinical testing. Allele origin: germline.
Comment: This sequence change replaces glutamine, which is neutral and polar, with glutamic acid, which is acidic and polar, at codon 288 of the C5 protein (p.Gln288Glu). This variant is not present in population databases (gnomAD no frequency). This variant has not been reported in the literature in individuals affected with C5-related conditions. Invitae Evidence Modeling of protein sequence and biophysical properties (such as structural, functional, and spatial information, amino acid conservation, physicochemical variation, residue mobility, and thermodynamic stability) indicates that this missense variant is not expected to disrupt C5 protein function with a negative predictive value of 80%. In summary, the available evidence is currently insufficient to determine the role of this variant in disease. Therefore, it has been classified as a Variant of Uncertain Significance.

NM_001735.3(C5):c.862C>G (p.Gln288Glu)

Gene: C5 (complement C5; minus strand). Cytogenetic location: 9q33.2.
Variant type: single nucleotide variant.
Coding change: c.862C>G on transcript NM_001735.3 (MANE Select); coding-DNA position 862, C replaced by G.
Protein change: p.Gln288Glu; replaces glutamine 288 with glutamic acid.
Molecular consequence: missense variant.
Genome position (GRCh38, 1-based): chr9:121,027,171, G>C on the plus strand (C>G on the coding strand, the complement: C5 is on the minus strand). VCF-style: chr9-121027171-G-C. GRCh37 (hg19) VCF-style: chr9-123789449-G-C.
Other names: c.880C>G, p.Gln294Glu (NM_001317163.2); c.862C>G, p.Gln288Glu (NM_001317164.2); short protein forms Q294E, Q288E.
Identifiers: ClinVar variation 3697956 (VCV003697956.2).